The following is an entry in ClinVar:

NM_001384140.1(PCDH15):c.3501+6C>A

Gene: PCDH15 (protocadherin related 15; minus strand). Cytogenetic location: 10q21.1.
Variant type: single nucleotide variant.
Coding change: c.3501+6C>A on transcript NM_001384140.1 (MANE Select); 6 bases into the intron after coding-DNA position 3501, C replaced by A.
Molecular consequence: intron variant.
Genome position (GRCh38, 1-based): chr10:53,903,237, G>T on the plus strand (C>A on the coding strand, the complement: PCDH15 is on the minus strand). VCF-style: chr10-53903237-G-T. GRCh37 (hg19) VCF-style: chr10-55662997-G-T.
Other names: c.3501+6C>A (NM_001354429.2, NM_001142772.2, NM_001142770.3 and 4 more transcripts); c.3516+6C>A (NM_001142771.2, NM_001142763.2); c.3522+6C>A (NM_001354411.2); c.3537+6C>A (NM_001142769.3); c.3435+6C>A (NM_001354404.2, NM_001142773.2, NM_001142768.2); c.3390+6C>A (NM_001142767.2); c.3288+6C>A (NM_001142765.2).
Identifiers: ClinVar variation 4983515 (VCV004983515.1).
Genomic context (GRCh38, chr10:53,903,237, plus strand): 5'-CTTACAGCTTATCTGCAAAACCTGAGCTTTTACTTTAGTTCTGTATATTAACATAATTCC[G>T]CATACCTTCACTCTGAGTACAGAAGTAAACATTCTTGCATCTTCAGATACACCTCCGATG-3'

ClinVar aggregate classification (germline): Likely benign (1 of 4 stars; one submission).

Conditions:
PCDH15-related disorder. Also called: PCDH15-related condition; PCDH15-related disorders.

gnomAD v4.1: 2 of 1,612,036 alleles (0.00012%); highest among the groups gnomAD compares: Non-Finnish European, 0.00017%; no homozygotes.

Submission:

PreventionGenetics, part of Exact Sciences
Classification: Likely benign for PCDH15-related condition. Last evaluated: 2025-06-30. Review status: criteria provided, single submitter. Criteria: ACMG Guidelines, 2015. Collection method: clinical testing. Allele origin: germline.
Comment: This variant is classified as likely benign based on ACMG/AMP sequence variant interpretation guidelines (Richards et al. 2015 PMID: 25741868, with internal and published modifications).